The following is an entry in ClinVar:

NM_000426.4(LAMA2):c.5833G>C (p.Ala1945Pro)

Gene: LAMA2 (laminin subunit alpha 2; plus strand). Cytogenetic location: 6q22.33.
Variant type: single nucleotide variant.
Coding change: c.5833G>C on transcript NM_000426.4 (MANE Select); coding-DNA position 5833, G replaced by C.
Protein change: p.Ala1945Pro; replaces alanine 1945 with proline.
Molecular consequence: missense variant.
Genome position (GRCh38, 1-based): chr6:129,403,927, G>C. VCF-style: chr6-129403927-G-C. GRCh37 (hg19) VCF-style: chr6-129725072-G-C.
Other names: c.5833G>C, p.Ala1945Pro (NM_001079823.2); short protein forms A1945P.
Identifiers: ClinVar variation 905511 (VCV000905511.9), dbSNP rs3828736, ClinGen allele CA365617435.

ClinVar aggregate classification (germline): Uncertain significance. Review status: criteria provided, multiple submitters, no conflicts (2 of 4 stars). 3 submissions from 3 submitters: Uncertain significance (3). Last evaluated 2021-09-01.

Conditions:
LAMA2-related muscular dystrophy (LAMA2-RD). Also called: Laminin alpha 2-related dystrophy. Identifiers: MedGen C5679788, MONDO:0100228.
Congenital muscular dystrophy due to partial LAMA2 deficiency. Identifiers: MedGen C1842898.

Allele frequency attached by ClinVar (database versions not stated): gnomAD 0.00001; TOPMed 0.00001.
gnomAD v4.1: 22 of 1,613,832 alleles (0.0014%); highest among the groups gnomAD compares: Non-Finnish European, 0.0018%; no homozygotes.

Submissions (3):

Labcorp Genetics (formerly Invitae), Labcorp
Classification: Uncertain significance for LAMA2-related muscular dystrophy. Last evaluated: 2021-09-01. Review status: criteria provided, single submitter. Criteria: Invitae Variant Classification Sherloc (09022015). Collection method: clinical testing. Allele origin: germline.
Comment: This sequence change replaces alanine with proline at codon 1945 of the LAMA2 protein (p.Ala1945Pro). The alanine residue is moderately conserved and there is a small physicochemical difference between alanine and proline. This variant is not present in population databases (ExAC no frequency). This variant has not been reported in the literature in individuals affected with LAMA2-related conditions. Advanced modeling of protein sequence and biophysical properties (such as structural, functional, and spatial information, amino acid conservation, physicochemical variation, residue mobility, and thermodynamic stability) performed at Invitae indicates that this missense variant is not expected to disrupt LAMA2 protein function. In summary, the available evidence is currently insufficient to determine the role of this variant in disease. Therefore, it has been classified as a Variant of Uncertain Significance.

Illumina Laboratory Services, Illumina
Classification: Uncertain significance for Congenital muscular dystrophy due to partial LAMA2 deficiency. Last evaluated: 2018-01-12. Review status: criteria provided, single submitter. Criteria: ICSL Variant Classification Criteria 13 December 2019. Collection method: clinical testing. Allele origin: germline.

Blueprint Genetics
Classification: Uncertain significance. Last evaluated: 2017-07-12. Review status: criteria provided, single submitter. Criteria: ACMG Guidelines, 2015. Collection method: clinical testing. Allele origin: germline.